The following is an entry in ClinVar:

NM_005198.5(CHKB):c.268del (p.His90fs)

Genes: CHKB-CPT1B (CHKB-CPT1B readthrough (NMD candidate); minus strand), CHKB (choline kinase beta; minus strand). Cytogenetic location: 22q13.33.
Variant type: Deletion.
Coding change: c.268del on transcript NM_005198.5 (MANE Select); coding-DNA position 268, one base deleted (C; older notation c.268delC).
Protein change: p.His90fs; shifts the reading frame from histidine 90.
Molecular consequence: frameshift variant. On other transcripts: non-coding transcript variant (1).
Genome position (GRCh38, 1-based): chr22:50,582,314, G deleted on the plus strand (C on the coding strand, the reverse complement: CHKB is on the minus strand); the first of 2 consecutive G bases (chr22:50,582,314-50,582,315); deleting either gives the same sequence. VCF-style (leftmost placement, unchanged base first): chr22-50582313-TG-T. GRCh37 (hg19) VCF-style: chr22-51020742-TG-T.
Other names: c.268delC (NM_005198.4); short protein forms H90fs.
Identifiers: ClinVar variation 582773 (VCV000582773.7), dbSNP rs1569054508, ClinGen allele CA891844032.

ClinVar aggregate classification (germline): Pathogenic (1 of 4 stars; one submission).

Conditions:
Megaconial type congenital muscular dystrophy (MDCMC). Also called: CHKB-Related Muscle Diseases; MUSCULAR DYSTROPHY, CONGENITAL, WITH MITOCHONDRIAL STRUCTURAL ABNORMALITIES; CHKB-Related Muscular Dystrophy. Identifiers: Orphanet 280671, MedGen C1865233, MONDO:0011246, OMIM 602541.

Submission:

Labcorp Genetics (formerly Invitae), Labcorp
Classification: Pathogenic for Megaconial type congenital muscular dystrophy. Last evaluated: 2023-10-03. Review status: criteria provided, single submitter. Criteria: Invitae Variant Classification Sherloc (09022015). Collection method: clinical testing. Allele origin: germline.
Comment: This sequence change creates a premature translational stop signal (p.His90Thrfs*29) in the CHKB gene. It is expected to result in an absent or disrupted protein product. Loss-of-function variants in CHKB are known to be pathogenic (PMID: 21665002). This variant is not present in population databases (gnomAD no frequency). This variant has not been reported in the literature in individuals affected with CHKB-related conditions. ClinVar contains an entry for this variant (Variation ID: 582773). For these reasons, this variant has been classified as Pathogenic.

Literature cited by the submitters: PubMed 21665002.